The following is an entry in ClinVar:

NM_003743.5(NCOA1):c.867A>G (p.Glu289=)

Gene: NCOA1 (nuclear receptor coactivator 1; plus strand). Cytogenetic location: 2p23.3.
Variant type: single nucleotide variant.
Coding change: c.867A>G on transcript NM_003743.5 (MANE Select); coding-DNA position 867, A replaced by G.
Protein change: p.Glu289=; no amino-acid change (glutamic acid 289 retained).
Molecular consequence: synonymous variant.
Genome position (GRCh38, 1-based): chr2:24,697,716, A>G. VCF-style: chr2-24697716-A-G. GRCh37 (hg19) VCF-style: chr2-24920585-A-G.
Other names: c.867A>G, p.Glu289= (NM_001362950.1, NM_001362952.1, NM_001362954.1 and 3 more transcripts).
Identifiers: ClinVar variation 3031783 (VCV003031783.2), dbSNP rs756179274, ClinGen allele CA1552113.

ClinVar aggregate classification (germline): Likely benign (0 of 4 stars; one submission).

Conditions:
NCOA1-related disorder. Also called: NCOA1-related condition.

Allele frequency attached by ClinVar (database versions not stated): ExAC 0.00002; gnomAD 0.00002; gnomAD exomes 0.00003; TOPMed 0.00003.
gnomAD v4.1: 49 of 1,613,238 alleles (0.003%); highest among the groups gnomAD compares: Non-Finnish European, 0.0041%; no homozygotes.

Submission:

PreventionGenetics, part of Exact Sciences
Classification: Likely benign for NCOA1-related condition. Last evaluated: 2024-01-05. Review status: no assertion criteria provided. Collection method: clinical testing. Allele origin: germline.
Comment: This variant is classified as likely benign based on ACMG/AMP sequence variant interpretation guidelines (Richards et al. 2015 PMID: 25741868, with internal and published modifications).